The following is an entry in ClinVar:

ClinVar aggregate classification (germline): Uncertain significance (1 of 4 stars; one submission).

Submission:

Dubai Health Genomic Medicine Center, Dubai Health
Classification: Uncertain significance. Last evaluated: 2020-11-22. Review status: criteria provided, single submitter. Criteria: ACMG Guidelines, 2015. Collection method: clinical testing. Allele origin: germline. Affected: yes.
Comment: The p.Asp2253del variant in ZNF292 has not been previously reported in affected individuals and was absent from large population studies such as the Genome Aggregation Database (gnomAD) and the Greater Middle East (GME) variome database. This variant leads to an inframe deletion of a single amino acid at position 2253 which is relatively conserved suggesting a potential relevance to protein function. However there are currently no studies to assess the functional impact of this variant. In summary more information is needed to fully assess the clinical significance of this variant.

NM_015021.3(ZNF292):c.6758_6760del (p.Asp2253del)

Gene: ZNF292 (zinc finger protein 292; plus strand). Cytogenetic location: 6q14.3.
Variant type: Deletion.
Coding change: c.6758_6760del on transcript NM_015021.3 (MANE Select); coding-DNA positions 6758 to 6760, 3 bases deleted (ATG; older notation c.6758_6760delATG).
Protein change: p.Asp2253del; deletes aspartic acid 2253.
Molecular consequence: inframe deletion.
Genome position (GRCh38, 1-based): chr6:87,260,387-87,260,389, ATG deleted; deleting any 3 consecutive bases within chr6:87,260,386-87,260,389 gives the same sequence; the c. name uses the placement nearest the transcript's 3' end. VCF-style (leftmost placement, unchanged base first): chr6-87260385-AGAT-A. GRCh37 (hg19) VCF-style: chr6-87970103-AGAT-A.
Other names: c.6338_6340del, p.Asp2113del (NM_001351444.2); short protein forms D2113del, D2253del.
Identifiers: ClinVar variation 1301715 (VCV001301715.2), dbSNP rs1775501579, ClinGen allele CA1644462172.